The following is an entry in ClinVar:

ClinVar aggregate classification (germline): Uncertain significance (1 of 4 stars; one submission).

Conditions:
Nephronophthisis 14 (NPHP14). Identifiers: Orphanet 2318, MedGen C3539071, MONDO:0013916, OMIM 614844.

Submission:

Labcorp Genetics (formerly Invitae), Labcorp
Classification: Uncertain significance for Nephronophthisis 14. Last evaluated: 2020-12-26. Review status: criteria provided, single submitter. Criteria: Invitae Variant Classification Sherloc (09022015). Collection method: clinical testing. Allele origin: germline.
Comment: In summary, the available evidence is currently insufficient to determine the role of this variant in disease. Therefore, it has been classified as a Variant of Uncertain Significance. Algorithms developed to predict the effect of missense changes on protein structure and function (SIFT, PolyPhen-2, Align-GVGD) all suggest that this variant is likely to be disruptive, but these predictions have not been confirmed by published functional studies and their clinical significance is uncertain. This variant has not been reported in the literature in individuals with ZNF423-related conditions. This variant is not present in population databases (ExAC no frequency). This sequence change replaces cysteine with tyrosine at codon 755 of the ZNF423 protein (p.Cys755Tyr). The cysteine residue is highly conserved and there is a large physicochemical difference between cysteine and tyrosine.

NM_001379286.1(ZNF423):c.2288G>A (p.Cys763Tyr)

Gene: ZNF423 (zinc finger protein 423; minus strand). Cytogenetic location: 16q12.1.
Variant type: single nucleotide variant.
Coding change: c.2288G>A on transcript NM_001379286.1 (MANE Select); coding-DNA position 2288, G replaced by A.
Protein change: p.Cys763Tyr; replaces cysteine 763 with tyrosine.
Molecular consequence: missense variant.
Genome position (GRCh38, 1-based): chr16:49,636,888, C>T on the plus strand (G>A on the coding strand, the complement: ZNF423 is on the minus strand). VCF-style: chr16-49636888-C-T. GRCh37 (hg19) VCF-style: chr16-49670799-C-T.
Other names: c.2084G>A, p.Cys695Tyr (NM_001271620.2); c.1913G>A, p.Cys638Tyr (NM_001330533.2); c.2264G>A, p.Cys755Tyr (NM_015069.5); short protein forms C755Y, C763Y, C638Y, C695Y.
Identifiers: ClinVar variation 1410938 (VCV001410938.8), dbSNP rs2151883560, ClinGen allele CA395843406.